The following is an entry in ClinVar:

ClinVar aggregate classification (germline): Uncertain significance. Review status: criteria provided, multiple submitters, no conflicts (2 of 4 stars). 3 submissions from 3 submitters: Uncertain significance (3). Last evaluated 2025-07-15.

Conditions:
Inborn genetic diseases. Identifiers: MedGen C0950123, MeSH D030342.

Allele frequency attached by ClinVar (database versions not stated): gnomAD exomes 0.00001; ExAC 0.00002; gnomAD 0.00002; TOPMed 0.00002.

Submissions (3):

Ambry Genetics
Classification: Uncertain significance for Inborn genetic diseases. Last evaluated: 2025-07-15. Review status: criteria provided, single submitter. Criteria: Ambry Variant Classification Scheme 2023. Collection method: clinical testing. Allele origin: germline.

Blueprint Genetics
Classification: Uncertain significance. Last evaluated: 2023-11-29. Review status: criteria provided, single submitter. Criteria: ACMG Guidelines, 2015. Collection method: clinical testing. Allele origin: germline.

Labcorp Genetics (formerly Invitae), Labcorp
Classification: Uncertain significance. Last evaluated: 2022-11-22. Review status: criteria provided, single submitter. Criteria: Invitae Variant Classification Sherloc (09022015). Collection method: clinical testing. Allele origin: germline.
Comment: In summary, the available evidence is currently insufficient to determine the role of this variant in disease. Therefore, it has been classified as a Variant of Uncertain Significance. Advanced modeling of protein sequence and biophysical properties (such as structural, functional, and spatial information, amino acid conservation, physicochemical variation, residue mobility, and thermodynamic stability) performed at Invitae indicates that this missense variant is expected to disrupt CABP4 protein function. ClinVar contains an entry for this variant (Variation ID: 842346). This variant has not been reported in the literature in individuals affected with CABP4-related conditions. This variant is present in population databases (rs775775589, gnomAD 0.003%). This sequence change replaces threonine, which is neutral and polar, with methionine, which is neutral and non-polar, at codon 227 of the CABP4 protein (p.Thr227Met).

NM_145200.5(CABP4):c.680C>T (p.Thr227Met)

Gene: CABP4 (calcium binding protein 4; plus strand). Cytogenetic location: 11q13.2.
Variant type: single nucleotide variant.
Coding change: c.680C>T on transcript NM_145200.5 (MANE Select); coding-DNA position 680, C replaced by T.
Protein change: p.Thr227Met; replaces threonine 227 with methionine.
Molecular consequence: missense variant. On other transcripts: non-coding transcript variant (1).
Genome position (GRCh38, 1-based): chr11:67,458,399, C>T. VCF-style: chr11-67458399-C-T. GRCh37 (hg19) VCF-style: chr11-67225870-C-T.
Other names: c.365C>T, p.Thr122Met (NM_001300895.3, NM_001300896.3, NM_001379183.1); short protein forms T122M, T227M.
Identifiers: ClinVar variation 842346 (VCV000842346.9), dbSNP rs775775589, ClinGen allele CA6140319.
Genomic context (GRCh38, chr11:67,458,399, plus strand): 5'-GTGGGAGGGGCTGAGCTTTGCGGGGACCTTAGTTTGACAGGGACAGGGATGGACGAATTA[C>T]GGTGGCGGAGCTGCGGGAGGCGGTACCGGCTCTGCTCGGGGAGCCGCTGGCGGGTCCTGA-3'
Protein context (NP_660201.1, residues 217-237): EFDRDRDGRI[Thr227Met]VAELREAVPA